The following is an entry in ClinVar:

ClinVar aggregate classification (germline): Uncertain significance. Review status: criteria provided, multiple submitters, no conflicts (2 of 4 stars). 2 submissions from 2 submitters: Uncertain significance (2). Last evaluated 2025-09-10.

gnomAD v4.1: 4 of 1,614,178 alleles (0.00025%); highest among the groups gnomAD compares: East Asian, 0.0022%; no homozygotes.

Submissions (2):

Ambry Genetics
Classification: Uncertain significance. Last evaluated: 2025-09-10. Review status: criteria provided, single submitter. Criteria: Ambry Variant Classification Scheme 2023. Collection method: clinical testing. Allele origin: germline.

GeneDx
Classification: Uncertain significance. Last evaluated: 2025-02-07. Review status: criteria provided, single submitter. Criteria: GeneDx Variant Classification Process June 2021. Collection method: clinical testing. Allele origin: germline. Affected: yes.
Comment: Not observed at significant frequency in large population cohorts (gnomAD); In silico analysis supports that this missense variant has a deleterious effect on protein structure/function; Has not been previously published as pathogenic or benign to our knowledge

NM_030923.5(TMEM163):c.413G>A (p.Arg138His)

Gene: TMEM163 (transmembrane protein 163; minus strand). Cytogenetic location: 2q21.3.
Variant type: single nucleotide variant.
Coding change: c.413G>A on transcript NM_030923.5 (MANE Select); coding-DNA position 413, G replaced by A.
Protein change: p.Arg138His; replaces arginine 138 with histidine.
Molecular consequence: missense variant.
Genome position (GRCh38, 1-based): chr2:134,550,615, C>T on the plus strand (G>A on the coding strand, the complement: TMEM163 is on the minus strand). VCF-style: chr2-134550615-C-T. GRCh37 (hg19) VCF-style: chr2-135308186-C-T.
Other names: short protein forms R138H.
Identifiers: ClinVar variation 4074602 (VCV004074602.2).
Genomic context (GRCh38, chr2:134,550,615, plus strand): 5'-CAAGAATCTACTTACATGTACTCCCTATGGGCAGAGTGCACAGCGGCCGCGTTGCTGTAA[C>T]GCCACAGGACAATCGCCGATGACAGGACGTCCAGGATGGCATCAAACTAGGAGAAGGAGA-3'
Protein context (NP_112185.1, residues 128-148): DVLSSAIVLW[Arg138His]YSNAAAVHSA